The following is an entry in ClinVar:

NM_000520.6(HEXA):c.492del (p.Arg166fs)

Gene: HEXA (hexosaminidase subunit alpha; minus strand). Cytogenetic location: 15q23.
Variant type: Deletion.
Coding change: c.492del on transcript NM_000520.6 (MANE Select); coding-DNA position 492, one base deleted (T; older notation c.492delT).
Protein change: p.Arg166fs; shifts the reading frame from arginine 166.
Molecular consequence: frameshift variant. On other transcripts: non-coding transcript variant (1).
Genome position (GRCh38, 1-based): chr15:72,353,146, A deleted on the plus strand (T on the coding strand, the reverse complement: HEXA is on the minus strand); the first of 3 consecutive A bases (chr15:72,353,146-72,353,148); deleting any one gives the same sequence. VCF-style (leftmost placement, unchanged base first): chr15-72353145-GA-G. GRCh37 (hg19) VCF-style: chr15-72645486-GA-G.
Other names: c.525del, p.Arg177fs (NM_001318825.2); short protein forms R166fs, R177fs.
Identifiers: ClinVar variation 1435017 (VCV001435017.7), dbSNP rs2140326388, ClinGen allele CA2573151106.

ClinVar aggregate classification (germline): Pathogenic. Review status: criteria provided, multiple submitters, no conflicts (2 of 4 stars). 2 submissions from 2 submitters: Pathogenic (2). Last evaluated 2026-07-18.

Conditions:
Tay-Sachs disease (TSD). Also called: GM2 gangliosidosis, type 1; Hexosaminidase alpha-subunit deficiency (variant B); Sphingolipidosis, Tay-Sachs; Hexosaminidase A Deficiency; HEXA Disorders; HEXA DEFICIENCY. Identifiers: Orphanet 845, MedGen C0039373, MONDO:0010100, OMIM 272800.

Submissions (2):

Myriad Genetics, Inc.
Classification: Pathogenic for Tay-Sachs disease. Last evaluated: 2026-07-18. Review status: criteria provided, single submitter. Criteria: Myriad Autosomal Dominant, Autosomal Recessive and X-Linked Classification Criteria (2023). Collection method: clinical testing. Allele origin: unknown.
Comment: NM_000520.4(HEXA):c.492delT(R166Afs*33) is expected to be pathogenic in the context of hexosaminidase A deficiency. This variant is predicted to lead to an abnormal or absent protein product due to the creation of a premature termination codon in HEXA, a gene where loss-of-function variants are known to be pathogenic. Please note: this variant was assessed in the context of healthy population screening.

Labcorp Genetics (formerly Invitae), Labcorp
Classification: Pathogenic for Tay-Sachs disease. Last evaluated: 2021-10-12. Review status: criteria provided, single submitter. Criteria: Invitae Variant Classification Sherloc (09022015). Collection method: clinical testing. Allele origin: germline.
Comment: For these reasons, this variant has been classified as Pathogenic. This variant has not been reported in the literature in individuals affected with HEXA-related conditions. This variant is not present in population databases (ExAC no frequency). This sequence change creates a premature translational stop signal (p.Arg166Alafs*33) in the HEXA gene. It is expected to result in an absent or disrupted protein product. Loss-of-function variants in HEXA are known to be pathogenic (PMID: 1833974, 8490625).

Literature cited by the submitters: PubMed 1833974 (cited by Labcorp Genetics (formerly Invitae), Labcorp); PubMed 8490625 (cited by Labcorp Genetics (formerly Invitae), Labcorp).